The following is an entry in ClinVar:

NM_001042492.3(NF1):c.5255A>G (p.Lys1752Arg)

Gene: NF1 (neurofibromin 1; plus strand). Cytogenetic location: 17q11.2.
Variant type: single nucleotide variant.
Coding change: c.5255A>G on transcript NM_001042492.3 (MANE Select); coding-DNA position 5255, A replaced by G.
Protein change: p.Lys1752Arg; replaces lysine 1752 with arginine.
Molecular consequence: missense variant.
Genome position (GRCh38, 1-based): chr17:31,326,239, A>G. VCF-style: chr17-31326239-A-G. GRCh37 (hg19) VCF-style: chr17-29653257-A-G.
Other names: c.5192A>G, p.Lys1731Arg (NM_000267.4); short protein forms K1752R, K1731R.
Identifiers: ClinVar variation 220078 (VCV000220078.22), dbSNP rs864622373, ClinGen allele CA350098.

ClinVar aggregate classification (germline): Conflicting classifications of pathogenicity. Review status: criteria provided, conflicting classifications (1 of 4 stars). 7 submissions from 7 submitters: Uncertain significance (4); Likely benign (3). Last evaluated 2026-01-25.

Conditions:
Retinoblastoma (RB1). Also called: RETINOBLASTOMA, SOMATIC. Identifiers: Orphanet 790, MedGen C0035335, MeSH D012175, MONDO:0008380, OMIM 180200, HP:0009919. Disease mechanism: loss of function. Inheritance: Both sporadic and heritable forms are tested..
Cardiovascular phenotype. Identifiers: MedGen CN230736.
Hereditary cancer-predisposing syndrome. Also called: Tumor predisposition; Neoplastic Syndromes, Hereditary; Hereditary Cancer Syndrome; Hereditary neoplastic syndrome. Identifiers: Orphanet 140162, MedGen C0027672, MeSH D009386, MONDO:0015356.
Neurofibromatosis-Noonan syndrome (NFNS). Also called: NEUROFIBROMATOSIS WITH NOONAN PHENOTYPE. Identifiers: Orphanet 638, MedGen C2931482, MONDO:0011035, OMIM 601321. Disease mechanism: loss of function.
Café-au-lait macules with pulmonary stenosis (WTSN). Also called: PULMONIC STENOSIS WITH CAFE-AU-LAIT SPOTS. Identifiers: MedGen C0553586, MONDO:0008672, OMIM 193520.
Neurofibromatosis, type 1 (NF1). Also called: Neurofibromatosis, type I; Peripheral type neurofibromatosis; NEUROFIBROMATOSIS, TYPE I, SOMATIC; VON RECKLINGHAUSEN DISEASE. Identifiers: Orphanet 636, MedGen C0027831, MONDO:0018975, OMIM 162200. Disease mechanism: loss of function.
Neurofibromatosis, familial spinal (FSNF). Identifiers: Orphanet 636, MedGen C1834235, MONDO:0008078, OMIM 162210. Disease mechanism: loss of function.
Juvenile myelomonocytic leukemia (JMML). Also called: LEUKEMIA, JUVENILE MYELOMONOCYTIC, SOMATIC. Identifiers: Orphanet 86834, MedGen C0349639, MONDO:0011908, OMIM 607785, HP:0012209.

Allele frequency attached by ClinVar (database versions not stated): gnomAD exomes below 0.00001; TOPMed 0.00002; gnomAD 0.00003 and 0.00004.
gnomAD v4.1: 9 of 1,608,940 alleles (0.00056%); highest among the groups gnomAD compares: African/African-American, 0.012%; no homozygotes.

Submissions (7):

Labcorp Genetics (formerly Invitae), Labcorp
Classification: Likely benign for Neurofibromatosis, type 1. Last evaluated: 2026-01-25. Review status: criteria provided, single submitter. Criteria: Invitae Variant Classification Sherloc (09022015). Collection method: clinical testing. Allele origin: germline.

GeneDx
Classification: Uncertain significance. Last evaluated: 2025-08-11. Review status: criteria provided, single submitter. Criteria: GeneDx Variant Classification Process June 2021. Collection method: clinical testing. Allele origin: germline. Affected: yes.
Comment: Observed in a patient with retinoblastoma (PMID: 34301788); In silico analysis indicates that this missense variant does not alter protein structure/function; This variant is associated with the following publications: (PMID: 34301788)

Fulgent Genetics
Classification: Uncertain significance for Neurofibromatosis, type 1; Neurofibromatosis, familial spinal; Café-au-lait macules with pulmonary stenosis; Neurofibromatosis-Noonan syndrome; Juvenile myelomonocytic leukemia. Last evaluated: 2024-03-27. Review status: criteria provided, single submitter. Criteria: ACMG Guidelines, 2015. Collection method: clinical testing. Allele origin: germline.

Ambry Genetics
Classification: Likely benign for Cardiovascular phenotype; Hereditary cancer-predisposing syndrome. Last evaluated: 2024-01-16. Review status: criteria provided, single submitter. Criteria: Ambry Variant Classification Scheme 2023. Collection method: clinical testing. Allele origin: germline.

Blueprint Genetics
Classification: Likely benign. Last evaluated: 2022-07-26. Review status: criteria provided, single submitter. Criteria: ACMG Guidelines, 2015. Collection method: clinical testing. Allele origin: germline.

Genome-Nilou Lab
Classification: Uncertain significance for Neurofibromatosis, type 1. Last evaluated: 2022-03-15. Review status: criteria provided, single submitter. Criteria: ACMG Guidelines, 2015. Collection method: clinical testing. Allele origin: germline. Affected: no.

St. Jude Molecular Pathology, St. Jude Children's Research Hospital
Classification: Uncertain significance for Retinoblastoma. Last evaluated: 2017-04-04. Review status: criteria provided, single submitter. Criteria: ACMG Guidelines, 2015. Collection method: clinical testing. Allele origin: germline. Affected: yes.